The following is an entry in ClinVar:

NM_001244926.2(PRPF4):c.205+4A>G

Gene: PRPF4 (pre-mRNA splicing tri-snRNP complex factor PRPF4; plus strand). Cytogenetic location: 9q32.
Variant type: single nucleotide variant.
Coding change: c.205+4A>G on transcript NM_001244926.2 (MANE Select); 4 bases into the intron after coding-DNA position 205, A replaced by G.
Molecular consequence: intron variant.
Genome position (GRCh38, 1-based): chr9:113,276,729, A>G. VCF-style: chr9-113276729-A-G. GRCh37 (hg19) VCF-style: chr9-116039009-A-G.
Other names: c.-561+4A>G (NM_001322267.2, NM_001322266.2); c.208+4A>G (NM_004697.5).
Identifiers: ClinVar variation 2020954 (VCV002020954.4), dbSNP rs1832110543, ClinGen allele CA1873313987.

ClinVar aggregate classification (germline): Uncertain significance (1 of 4 stars; one submission).

Submission:

Labcorp Genetics (formerly Invitae), Labcorp
Classification: Uncertain significance. Last evaluated: 2022-08-01. Review status: criteria provided, single submitter. Criteria: Invitae Variant Classification Sherloc (09022015). Collection method: clinical testing. Allele origin: germline.
Comment: This variant has not been reported in the literature in individuals affected with PRPF4-related conditions. This sequence change falls in intron 2 of the PRPF4 gene. It does not directly change the encoded amino acid sequence of the PRPF4 protein. It affects a nucleotide within the consensus splice site. This variant is not present in population databases (gnomAD no frequency). Variants that disrupt the consensus splice site are a relatively common cause of aberrant splicing (PMID: 17576681, 9536098). Algorithms developed to predict the effect of sequence changes on RNA splicing suggest that this variant may create or strengthen a splice site. In summary, the available evidence is currently insufficient to determine the role of this variant in disease. Therefore, it has been classified as a Variant of Uncertain Significance.

Literature cited by the submitters: PubMed 17576681; PubMed 9536098.